The following is an entry in ClinVar:

ClinVar aggregate classification (germline): Uncertain significance. Review status: criteria provided, multiple submitters, no conflicts (2 of 4 stars). 3 submissions from 3 submitters: Uncertain significance (3). Last evaluated 2025-06-22.

Conditions:
Inborn genetic diseases. Identifiers: MedGen C0950123, MeSH D030342.

Allele frequency attached by ClinVar (database versions not stated): ExAC 0.00002; gnomAD exomes 0.00001; TOPMed 0.00001.
gnomAD v4.1: 18 of 1,613,200 alleles (0.0011%); highest among the groups gnomAD compares: Non-Finnish European, 0.0014%; no homozygotes.

Submissions (3):

Mayo Clinic Laboratories, Mayo Clinic
Classification: Uncertain significance. Last evaluated: 2025-06-22. Review status: criteria provided, single submitter. Criteria: ACMG Guidelines, 2015. Collection method: clinical testing. Allele origin: germline. Observed: 1 variant allele.
Comment: BP4, PM2_supporting

Ambry Genetics
Classification: Uncertain significance for Inborn genetic diseases. Last evaluated: 2023-12-27. Review status: criteria provided, single submitter. Criteria: Ambry Variant Classification Scheme 2023. Collection method: clinical testing. Allele origin: germline.

Labcorp Genetics (formerly Invitae), Labcorp
Classification: Uncertain significance. Last evaluated: 2022-07-12. Review status: criteria provided, single submitter. Criteria: Invitae Variant Classification Sherloc (09022015). Collection method: clinical testing. Allele origin: germline.
Comment: This sequence change replaces asparagine, which is neutral and polar, with lysine, which is basic and polar, at codon 990 of the VPS13A protein (p.Asn990Lys). This variant is present in population databases (rs774698356, gnomAD 0.004%). This variant has not been reported in the literature in individuals affected with VPS13A-related conditions. Algorithms developed to predict the effect of missense changes on protein structure and function are either unavailable or do not agree on the potential impact of this missense change (SIFT: "Tolerated"; PolyPhen-2: "Possibly Damaging"; Align-GVGD: "Class C0"). In summary, the available evidence is currently insufficient to determine the role of this variant in disease. Therefore, it has been classified as a Variant of Uncertain Significance.

NM_033305.3(VPS13A):c.2970T>A (p.Asn990Lys)

Gene: VPS13A (vacuolar protein sorting 13 homolog A; plus strand). Cytogenetic location: 9q21.2.
Variant type: single nucleotide variant.
Coding change: c.2970T>A on transcript NM_033305.3 (MANE Select); coding-DNA position 2970, T replaced by A.
Protein change: p.Asn990Lys; replaces asparagine 990 with lysine.
Molecular consequence: missense variant.
Genome position (GRCh38, 1-based): chr9:77,282,126, T>A. VCF-style: chr9-77282126-T-A. GRCh37 (hg19) VCF-style: chr9-79897042-T-A.
Other names: p.Asn990Lys; c.2970T>A, p.Asn990Lys (NM_001018037.2, NM_001018038.3, NM_015186.4); c.2970T>A (NM_033305.2); short protein forms N990K.
Identifiers: ClinVar variation 2193382 (VCV002193382.3), dbSNP rs774698356, ClinGen allele CA5092120.